The following is an entry in ClinVar:

ClinVar aggregate classification (germline): Pathogenic/Likely pathogenic. Review status: criteria provided, multiple submitters, no conflicts (2 of 4 stars). 18 submissions from 18 submitters: Pathogenic (16); Likely pathogenic (1). 1 of the submissions does not count toward it. Last evaluated 2026-07-14.

Conditions:
ATM-related cancer predisposition. Also called: ATM-related cancer susceptibility. Identifiers: MedGen CN377759, MONDO:0700270.
ATM-related disorder. Also called: ATM-related disorders; ATM-related condition.
Hereditary cancer-predisposing syndrome. Also called: Neoplastic Syndromes, Hereditary; Hereditary Cancer Syndrome; Tumor predisposition; Hereditary neoplastic syndrome. Identifiers: Orphanet 140162, MedGen C0027672, MeSH D009386, MONDO:0015356.
Ataxia-telangiectasia syndrome (AT). Also called: Ataxia-telangiectasia, complementation group D; AT, COMPLEMENTATION GROUP C; Ataxia-telangiectasia; ATAXIA-TELANGIECTASIA, COMPLEMENTATION GROUP A; ATAXIA-TELANGIECTASIA, FRESNO VARIANT; Ataxia-telangiectasia, complementation group E. Identifiers: Orphanet 100, MedGen C0004135, MONDO:0008840, OMIM 208900.
Breast cancer, susceptibility to. Identifiers: MedGen C3469522. Disease mechanism: gain of function.
Familial cancer of breast. Also called: BREAST CANCER, FAMILIAL; hereditary breast carcinoma; Hereditary breast cancer. Identifiers: Orphanet 227535, MedGen C0346153, MONDO:0016419, OMIM 114480. Disease mechanism: loss of function.

Allele frequency attached by ClinVar (database versions not stated): TOPMed 0.00012; gnomAD 0.00020 and 0.00021; gnomAD exomes 0.00003.
gnomAD v4.1: 41 of 1,612,686 alleles (0.0025%); highest among the groups gnomAD compares: Admixed American, 0.065%; no homozygotes.

Submissions 1 to 13 of 18:

PreventionGenetics, part of Exact Sciences
Classification: Pathogenic for ATM-related condition. Last evaluated: 2026-07-14. Review status: criteria provided, single submitter. Criteria: ACMG Guidelines, 2015. Collection method: clinical testing. Allele origin: germline.
Comment: The ATM c.5908C>T variant is predicted to result in premature protein termination (p.Gln1970*). This variant has been reported in the homozygous and compound heterozygous state in patients with ataxia telangiectasia (Telatar et al. 1998. PubMed ID: 9443866; Telatar et al. 1998. PubMed ID: 9682216; Mitui et al. 2003. PubMed ID: 12815592; Termsarasab et al. 2015. PubMed ID: 25793145) and in patients with pancreatic neoplasms (Lowery et al. 2018. PubMed ID: 29506128; Hutchings et al. 2019. PubMed ID: 31285527), and has been implicated as a founder variant in Costa Rican populations. This variant is reported in 0.023% of alleles in individuals of Latino descent in gnomAD and is interpreted as pathogenic in ClinVar (Variation ID: 141404). Nonsense variants in ATM are expected to be pathogenic. This variant is interpreted as pathogenic.

Natera, Inc.
Classification: Pathogenic for Ataxia-telangiectasia. Last evaluated: 2025-12-31. Review status: criteria provided, single submitter. Criteria: Natera Variant Classification Schema (03/2026). Collection method: clinical testing. Allele origin: germline.
Comment: The c.5908C>T variant in ATM is a nonsense variant predicted to introduce a stop codon at amino acid 1970. This variant is expected to result in nonsense mediated decay, truncation, or a dysfunctional protein product. This variant is rare in the general population with a frequency below the threshold expected for the associated phenotype(s). This variant has been observed in one or more individuals affected with the associated recessive disease, as either homozygous or compound heterozygous with a second variant (PMID: 25793145). Given the available evidence, this variant is classified as Pathogenic.

Labcorp Genetics (formerly Invitae), Labcorp
Classification: Pathogenic for Ataxia-telangiectasia syndrome. Last evaluated: 2025-10-11. Review status: criteria provided, single submitter. Criteria: Invitae Variant Classification Sherloc (09022015). Collection method: clinical testing. Allele origin: germline.
Comment: This sequence change creates a premature translational stop signal (p.Gln1970*) in the ATM gene. It is expected to result in an absent or disrupted protein product. Loss-of-function variants in ATM are known to be pathogenic (PMID: 23807571, 25614872). This variant is present in population databases (rs587781722, gnomAD 0.02%). This premature translational stop signal has been observed in individual(s) with ataxia-telangiectasia (PMID: 9443866, 12815592). ClinVar contains an entry for this variant (Variation ID: 141404). For these reasons, this variant has been classified as Pathogenic.

Hereditary Cancer Laboratory, Hospital Universitario 12 de Octubre
Classification: Pathogenic for Hereditary cancer-predisposing syndrome. Last evaluated: 2024-11-25. Review status: criteria provided, single submitter. Criteria: ACMG Guidelines, 2015. Collection method: clinical testing. Allele origin: germline.
Comment: PVS1+PM2+PP5

Color Diagnostics, LLC DBA Color Health
Classification: Pathogenic for Hereditary cancer-predisposing syndrome. Last evaluated: 2024-10-29. Review status: criteria provided, single submitter. Criteria: ACMG Guidelines, 2015. Collection method: clinical testing. Allele origin: germline.
Comment: This variant changes 1 nucleotide in exon 39 of the ATM gene, creating a premature translation stop signal. This variant is expected to result in an absent or non-functional protein product. This variant has been reported both in the homozygous and compound heterozygous states in multiple individuals affected with ataxia-telangiectasia (PMID: 9443866, 12815592, 25793145) and has been reported to be a recurring mutation in the Costa Rican population. This variant has been identified in 8/250774 chromosomes (8/34530 Latino chromosomes) in the general population by the Genome Aggregation Database (gnomAD). Loss of ATM function is a known mechanism of disease. Based on the available evidence, this variant is classified as Pathogenic.

CeGaT Center for Human Genetics Tuebingen
Classification: Pathogenic. Last evaluated: 2024-09-01. Review status: criteria provided, single submitter. Criteria: CeGaT Center For Human Genetics Tuebingen Variant Classification Criteria Version 2. Collection method: clinical testing. Allele origin: germline. Affected: yes. Observed: 1 variant allele.
Comment: ATM: PVS1, PM2, PM3

Ambry Genetics
Classification: Pathogenic for Hereditary cancer-predisposing syndrome. Last evaluated: 2024-07-08. Review status: criteria provided, single submitter. Criteria: Ambry Variant Classification Scheme 2023. Collection method: clinical testing. Allele origin: germline.
Comment: The p.Q1970* pathogenic mutation (also known as c.5908C>T), located in coding exon 38 of the ATM gene, results from a C to T substitution at nucleotide position 5908. This changes the amino acid from a glutamine to a stop codon within coding exon 38. This variant has been identified in the homozygous state and/or in conjunction with other ATM variant(s) in individual(s) who met clinical criteria for ataxia-telangiectasia (A-T) (Telatar M et al. Am. J. Hum. Genet. 1998 Jan; 62:86-97; Termsarasab P et al. Tremor Other Hyperkinet Mov (NY). 2015;5:298). This variant has also been reported in patients diagnosed with pancreatic cancer (Hutchings D et al. Mod Pathol. 2019 12;32:1806-1813; Lowery MA et al. J Natl Cancer Inst. 2018 10;110:1067-1074). In addition to the clinical data presented in the literature, this alteration is expected to result in loss of function by premature protein truncation or nonsense-mediated mRNA decay. As such, this alteration is interpreted as a disease-causing mutation.

Baylor Genetics
Classification: Pathogenic for Familial cancer of breast. Last evaluated: 2024-03-22. Review status: criteria provided, single submitter. Criteria: ACMG Guidelines, 2015. Collection method: clinical testing. Allele origin: unknown.

Myriad Genetics, Inc.
Classification: Pathogenic for Familial cancer of breast. Last evaluated: 2024-01-26. Review status: criteria provided, single submitter. Criteria: Myriad Autosomal Dominant, Autosomal Recessive and X-Linked Classification Criteria (2023). Collection method: clinical testing. Allele origin: unknown.
Comment: This variant is considered pathogenic. This variant creates a termination codon and is predicted to result in premature protein truncation.

Institute for Genomic Medicine (IGM) Clinical Laboratory, Nationwide Children's Hospital
Classification: Likely pathogenic for ATM-related cancer predisposition. Last evaluated: 2023-03-13. Review status: criteria provided, single submitter. Criteria: ACMG Guidelines, 2015. Collection method: clinical testing. Allele origin: germline.
Comment: This variant is predicted to result in loss of function through nonsense-mediated decay of the encoded transcript or premature truncation of the encoded protein in a gene in which loss of function is a known mechanism of disease (ACMG/AMP: PVS1). This variant is absent from or present at an exceedingly low frequency in gnomAD, a large-scale control population database (ACMG/AMP: PM2).

Athena Diagnostics
Classification: Pathogenic. Last evaluated: 2022-05-17. Review status: criteria provided, single submitter. Criteria: Athena Diagnostics Criteria. Collection method: clinical testing. Allele origin: unknown.
Comment: This variant is expected to result in the loss of a functional protein. The frequency of this variant in the general population is consistent with pathogenicity. This variant has been identified in at least one individual with clinical features associated with this gene. In multiple individuals, this variant has been seen with a single recessive pathogenic variant in the same gene, suggesting this variant may also be pathogenic.

Quest Diagnostics Nichols Institute San Juan Capistrano
Classification: Pathogenic. Last evaluated: 2022-05-17. Review status: criteria provided, single submitter. Criteria: Quest Diagnostics criteria. Collection method: clinical testing. Allele origin: unknown.
Comment: The variant creates a premature nonsense codon, and is therefore predicted to result in the loss of a functional protein. Additionally, the variant was found in at least one symptomatic patient, and found in general population data at a frequency that is consistent with pathogenicity.

GeneDx
Classification: Pathogenic. Last evaluated: 2021-11-29. Review status: criteria provided, single submitter. Criteria: GeneDx Variant Classification Process June 2021. Collection method: clinical testing. Allele origin: germline. Affected: yes.
Comment: Nonsense variant predicted to result in protein truncation or nonsense mediated decay in a gene for which loss-of-function is a known mechanism of disease; This variant is associated with the following publications: (PMID: 12815592, 18634022, 25793145, 25525159, 9443866, 26886021, 15498871, 23774824, 29506128, 31447099, 31285527)

NM_000051.4(ATM):c.5908C>T (p.Gln1970Ter)

Genes: ATM (ATM serine/threonine kinase; plus strand), C11orf65 (chromosome 11 open reading frame 65; minus strand). Cytogenetic location: 11q22.3.
Variant type: single nucleotide variant.
Coding change: c.5908C>T on transcript NM_000051.4 (MANE Select); coding-DNA position 5908, C replaced by T.
Protein change: p.Gln1970Ter; replaces glutamine 1970 with a stop codon.
Molecular consequence: nonsense. On other transcripts: intron variant (2).
Genome position (GRCh38, 1-based): chr11:108,310,305, C>T. VCF-style: chr11-108310305-C-T. GRCh37 (hg19) VCF-style: chr11-108181032-C-T.
Other names: c.5908C>T, p.Gln1970Ter (NM_001351834.2); c.641-1234G>A (NM_001330368.2); c.*39-1234G>A (NM_001351110.2); short protein forms Q1970*.
Identifiers: ClinVar variation 141404 (VCV000141404.46), dbSNP rs587781722, ClinGen allele CA165332.